The following is an entry in ClinVar:

NM_000059.4(BRCA2):c.8488T>C (p.Trp2830Arg)

Gene: BRCA2 (BRCA2 DNA repair associated; plus strand). Cytogenetic location: 13q13.1.
Variant type: single nucleotide variant.
Coding change: c.8488T>C on transcript NM_000059.4 (MANE Select); coding-DNA position 8488, T replaced by C.
Protein change: p.Trp2830Arg; replaces tryptophan 2830 with arginine.
Molecular consequence: missense variant. On other transcripts: non-coding transcript variant (1).
Genome position (GRCh38, 1-based): chr13:32,370,956, T>C. VCF-style: chr13-32370956-T-C. GRCh37 (hg19) VCF-style: chr13-32945093-T-C.
Other names: c.8392T>C, p.Trp2798Arg (NM_001406719.1); c.8488T>C, p.Trp2830Arg (NM_001406720.1); c.3556T>C, p.Trp1186Arg (NM_001406721.1); c.2071T>C, p.Trp691Arg (NM_001406722.1); short protein forms W2798R, W691R, W1186R, W2830R.
Identifiers: ClinVar variation 2841461 (VCV002841461.3), dbSNP rs1304085334, ClinGen allele CA387752656.
Genomic context (GRCh38, chr13:32,370,956, plus strand): 5'-TACAATTAACTTGAATGTTATATATGTGACTTTTTTGGTGTGTGTAACACATTATTACAG[T>C]GGATGGAGAAGACATCATCTGGATTATACATATTTCGCAATGAAAGAGAGGAAGAAAAGG-3'
Protein context (NP_000050.3, residues 2820-2840): VIIQRAYPIQ[Trp2830Arg]MEKTSSGLYI

ClinVar aggregate classification (germline): Uncertain significance (1 of 4 stars; one submission).

Conditions:
Hereditary breast ovarian cancer syndrome. Also called: Hereditary breast and ovarian cancer syndrome (HBOC); Breast and ovarian cancer; BRCA1- and BRCA2-Associated Hereditary Breast and Ovarian Cancer; Hereditary breast and ovarian cancer syndrome; Hereditary breast and ovarian cancer; Hereditary breast and/or ovarian cancer syndrome. Identifiers: Orphanet 145, MedGen C0677776, MeSH D061325, MONDO:0003582. Disease mechanism: loss of function.

Submission:

Labcorp Genetics (formerly Invitae), Labcorp
Classification: Uncertain significance for Hereditary breast ovarian cancer syndrome. Last evaluated: 2023-02-28. Review status: criteria provided, single submitter. Criteria: Invitae Variant Classification Sherloc (09022015). Collection method: clinical testing. Allele origin: germline.
Comment: In summary, the available evidence is currently insufficient to determine the role of this variant in disease. Therefore, it has been classified as a Variant of Uncertain Significance. An algorithm developed to predict the effect of missense changes on protein structure and function (PolyPhen-2) suggests that this variant is likely to be disruptive. This variant has not been reported in the literature in individuals affected with BRCA2-related conditions. This variant is not present in population databases (gnomAD no frequency). This sequence change replaces tryptophan, which is neutral and slightly polar, with arginine, which is basic and polar, at codon 2830 of the BRCA2 protein (p.Trp2830Arg).